The following is an entry in ClinVar:

NM_001849.4(COL6A2):c.2423-83T>C

Gene: COL6A2 (collagen type VI alpha 2 chain; plus strand). Cytogenetic location: 21q22.3.
Variant type: single nucleotide variant.
Coding change: c.2423-83T>C on transcript NM_001849.4 (MANE Select); 83 bases into the intron before coding-DNA position 2423, T replaced by C.
Molecular consequence: intron variant.
Genome position (GRCh38, 1-based): chr21:46,126,420, T>C. VCF-style: chr21-46126420-T-C. GRCh37 (hg19) VCF-style: chr21-47546334-T-C.
Other names: c.2423-83T>C (NM_058175.3, NM_058174.3).
Identifiers: ClinVar variation 680247 (VCV000680247.2), dbSNP rs17272947, ClinGen allele CA14881782.

ClinVar aggregate classification (germline): Benign. Review status: criteria provided, multiple submitters, no conflicts (2 of 4 stars). 2 submissions from 2 submitters: Benign (2). Last evaluated 2018-06-19.

Allele frequency attached by ClinVar (database versions not stated): 1000 Genomes Project 0.04313; 1000 Genomes Project 30x 0.04325; gnomAD 0.05789 and 0.05826; TOPMed 0.05848; gnomAD exomes 0.08333.
gnomAD v4.1: 127,805 of 1,582,926 alleles (8.1%); highest among the groups gnomAD compares: Middle Eastern, 11%; 5,831 homozygotes.

Submissions (2):

GeneDx
Classification: Benign. Last evaluated: 2018-06-19. Review status: criteria provided, single submitter. Criteria: GeneDx Variant Classification (06012015). Collection method: clinical testing. Allele origin: germline. Affected: yes.
Comment: This variant is considered likely benign or benign based on one or more of the following criteria: it is a conservative change, it occurs at a poorly conserved position in the protein, it is predicted to be benign by multiple in silico algorithms, and/or has population frequency not consistent with disease.

Breakthrough Genomics
Classification: Benign. Review status: criteria provided, single submitter. Criteria: ACMG Guidelines, 2015. Collection method: not provided. Allele origin: germline. Inheritance: Autosomal recessive inheritance. Affected: yes.